The following is an entry in ClinVar:

ClinVar aggregate classification (germline): Uncertain significance (1 of 4 stars; one submission).

Submission:

Labcorp Genetics (formerly Invitae), Labcorp
Classification: Uncertain significance. Last evaluated: 2022-08-07. Review status: criteria provided, single submitter. Criteria: Invitae Variant Classification Sherloc (09022015). Collection method: clinical testing. Allele origin: germline.
Comment: This variant has not been reported in the literature in individuals affected with CARMIL2-related conditions. In summary, the available evidence is currently insufficient to determine the role of this variant in disease. Therefore, it has been classified as a Variant of Uncertain Significance. Algorithms developed to predict the effect of missense changes on protein structure and function (SIFT, PolyPhen-2, Align-GVGD) all suggest that this variant is likely to be tolerated. This variant is not present in population databases (gnomAD no frequency). This sequence change replaces proline, which is neutral and non-polar, with arginine, which is basic and polar, at codon 948 of the CARMIL2 protein (p.Pro948Arg).

NM_001013838.3(CARMIL2):c.2843C>G (p.Pro948Arg)

Gene: CARMIL2 (capping protein regulator and myosin 1 linker 2; plus strand). Cytogenetic location: 16q22.1.
Variant type: single nucleotide variant.
Coding change: c.2843C>G on transcript NM_001013838.3 (MANE Select); coding-DNA position 2843, C replaced by G.
Protein change: p.Pro948Arg; replaces proline 948 with arginine.
Molecular consequence: missense variant.
Genome position (GRCh38, 1-based): chr16:67,652,497, C>G. VCF-style: chr16-67652497-C-G. GRCh37 (hg19) VCF-style: chr16-67686400-C-G.
Other names: c.2735C>G, p.Pro912Arg (NM_001317026.3); short protein forms P912R, P948R.
Identifiers: ClinVar variation 1715607 (VCV001715607.5), dbSNP rs2543566926, ClinGen allele CA396342439.